The following is an entry in ClinVar:

ClinVar aggregate classification (germline): Uncertain significance. Review status: criteria provided, multiple submitters, no conflicts (2 of 4 stars). 2 submissions from 2 submitters: Uncertain significance (2). Last evaluated 2024-12-05.

gnomAD v4.1: 64 of 1,578,242 alleles (0.0041%); highest among the groups gnomAD compares: Middle Eastern, 0.017%; no homozygotes.

Submissions (2):

GeneDx
Classification: Uncertain significance. Last evaluated: 2024-12-05. Review status: criteria provided, single submitter. Criteria: GeneDx Variant Classification Process June 2021. Collection method: clinical testing. Allele origin: germline. Affected: yes.
Comment: In silico analysis supports that this missense variant has a deleterious effect on protein structure/function; Has not been previously published as pathogenic or benign to our knowledge

Ambry Genetics
Classification: Uncertain significance. Last evaluated: 2024-08-14. Review status: criteria provided, single submitter. Criteria: Ambry Variant Classification Scheme 2023. Collection method: clinical testing. Allele origin: germline.

NM_000718.4(CACNA1B):c.6551G>A (p.Arg2184His)

Gene: CACNA1B (calcium voltage-gated channel subunit alpha1 B; plus strand). Cytogenetic location: 9q34.3.
Variant type: single nucleotide variant.
Coding change: c.6551G>A on transcript NM_000718.4 (MANE Select); coding-DNA position 6551, G replaced by A.
Protein change: p.Arg2184His; replaces arginine 2184 with histidine.
Molecular consequence: missense variant. On other transcripts: intron variant (1).
Genome position (GRCh38, 1-based): chr9:138,121,530, G>A. VCF-style: chr9-138121530-G-A. GRCh37 (hg19) VCF-style: chr9-141015982-G-A.
Other names: c.6490-126G>A (NM_001243812.2); short protein forms R2184H.
Identifiers: ClinVar variation 3483916 (VCV003483916.2).